The following is an entry in ClinVar:

NM_016222.4(DDX41):c.43G>C (p.Glu15Gln)

Gene: DDX41 (DEAD-box helicase 41; minus strand). Cytogenetic location: 5q35.3.
Variant type: single nucleotide variant.
Coding change: c.43G>C on transcript NM_016222.4 (MANE Select); coding-DNA position 43, G replaced by C.
Protein change: p.Glu15Gln; replaces glutamic acid 15 with glutamine.
Molecular consequence: missense variant. On other transcripts: 5 prime UTR variant (2).
Genome position (GRCh38, 1-based): chr5:177,516,820, C>G on the plus strand (G>C on the coding strand, the complement: DDX41 is on the minus strand). VCF-style: chr5-177516820-C-G. GRCh37 (hg19) VCF-style: chr5-176943821-C-G.
Other names: c.43G>C (NM_016222.2); c.-613G>C (NM_001321732.2); c.-405G>C (NM_001321830.2); short protein forms E15Q.
Identifiers: ClinVar variation 2711547 (VCV002711547.4), dbSNP rs1182905371, ClinGen allele CA362377962.
Genomic context (GRCh38, chr5:177,516,820, plus strand): 5'-GCACGTAGTCCTCGTCGTCCTCATCTTCCGCCTCGGAGCGGCTTCCTCCGGCAGGCACCT[C>G]GTCGGTGCGAGCCCGCTGCAAGCACACGCCAGTCAGGCACGGCCTGCTCCCCTCTTCACG-3'
Protein context (NP_057306.2, residues 5-25): EPERKRARTD[Glu15Gln]VPAGGSRSEA

ClinVar aggregate classification (germline): Uncertain significance. Review status: criteria provided, multiple submitters, no conflicts (2 of 4 stars). 2 submissions from 2 submitters: Uncertain significance (2). Last evaluated 2025-04-28.

Conditions:
Inborn genetic diseases. Identifiers: MedGen C0950123, MeSH D030342.

Allele frequency attached by ClinVar (database versions not stated): TOPMed 0.00002; gnomAD 0.00003.

Submissions (2):

Ambry Genetics
Classification: Uncertain significance for Inborn genetic diseases. Last evaluated: 2025-04-28. Review status: criteria provided, single submitter. Criteria: Ambry Variant Classification Scheme 2023. Collection method: clinical testing. Allele origin: germline.
Comment: The p.E15Q variant (also known as c.43G>C), located in coding exon 2 of the DDX41 gene, results from a G to C substitution at nucleotide position 43. The glutamic acid at codon 15 is replaced by glutamine, an amino acid with highly similar properties. This variant was identified in one patient reported to have Myelodysplastic Syndromes (MDS) (Maierhofer A et al. Blood Adv, 2023 Dec;7:7346-7357). This amino acid position is well conserved in available vertebrate species. In addition, this alteration is predicted to be tolerated by in silico analysis. Based on the available evidence, the clinical significance of this variant remains unclear.

Labcorp Genetics (formerly Invitae), Labcorp
Classification: Uncertain significance. Last evaluated: 2023-05-16. Review status: criteria provided, single submitter. Criteria: Invitae Variant Classification Sherloc (09022015). Collection method: clinical testing. Allele origin: germline.
Comment: This variant is present in population databases (no rsID available, gnomAD 0.008%). This sequence change replaces glutamic acid, which is acidic and polar, with glutamine, which is neutral and polar, at codon 15 of the DDX41 protein (p.Glu15Gln). This variant has not been reported in the literature in individuals affected with DDX41-related conditions. An algorithm developed to predict the effect of missense changes on protein structure and function (PolyPhen-2) suggests that this variant is likely to be tolerated. In summary, the available evidence is currently insufficient to determine the role of this variant in disease. Therefore, it has been classified as a Variant of Uncertain Significance.

Literature cited by the submitters: PubMed 37874914 (cited by Ambry Genetics).